The following is an entry in ClinVar:

ClinVar aggregate classification (germline): Uncertain significance (1 of 4 stars; one submission).

Conditions:
Early-infantile DEE. Also called: Ohtahara syndrome; Early infantile epileptic encephalopathy; Early infantile epileptic encephalopathy with suppression bursts. Identifiers: Orphanet 1934, MedGen C0393706, MONDO:0800491.

Submission:

Labcorp Genetics (formerly Invitae), Labcorp
Classification: Uncertain significance for Early-infantile DEE. Last evaluated: 2023-06-03. Review status: criteria provided, single submitter. Criteria: Invitae Variant Classification Sherloc (09022015). Collection method: clinical testing. Allele origin: germline.
Comment: This sequence change replaces alanine, which is neutral and non-polar, with threonine, which is neutral and polar, at codon 781 of the SPTAN1 protein (p.Ala781Thr). In summary, the available evidence is currently insufficient to determine the role of this variant in disease. Therefore, it has been classified as a Variant of Uncertain Significance. Advanced modeling of protein sequence and biophysical properties (such as structural, functional, and spatial information, amino acid conservation, physicochemical variation, residue mobility, and thermodynamic stability) has been performed at Invitae for this missense variant, however the output from this modeling did not meet the statistical confidence thresholds required to predict the impact of this variant on SPTAN1 protein function. ClinVar contains an entry for this variant (Variation ID: 1993998). This variant has not been reported in the literature in individuals affected with SPTAN1-related conditions. This variant is not present in population databases (gnomAD no frequency).

NM_001130438.3(SPTAN1):c.2341G>A (p.Ala781Thr)

Gene: SPTAN1 (spectrin alpha, non-erythrocytic 1; plus strand). Cytogenetic location: 9q34.11.
Variant type: single nucleotide variant.
Coding change: c.2341G>A on transcript NM_001130438.3 (MANE Select); coding-DNA position 2341, G replaced by A.
Protein change: p.Ala781Thr; replaces alanine 781 with threonine.
Molecular consequence: missense variant.
Genome position (GRCh38, 1-based): chr9:128,584,429, G>A. VCF-style: chr9-128584429-G-A. GRCh37 (hg19) VCF-style: chr9-131346708-G-A.
Other names: c.2341G>A, p.Ala781Thr (NM_001195532.2, NM_001363759.2, NM_001363765.2 and 5 more transcripts); c.2377G>A, p.Ala793Thr (NM_001375312.2, NM_001375318.1); short protein forms A781T, A793T.
Identifiers: ClinVar variation 1993998 (VCV001993998.4), dbSNP rs1328421142, ClinGen allele CA375057481.